The following is an entry in ClinVar:

ClinVar aggregate classification (germline): Pathogenic (1 of 4 stars; one submission).

Conditions:
Fanconi anemia (FA). Also called: Fanconi's anemia. Identifiers: Orphanet 84, MedGen C0015625, MeSH D005199, MONDO:0019391.

Submission:

Labcorp Genetics (formerly Invitae), Labcorp
Classification: Pathogenic for Fanconi anemia. Last evaluated: 2021-11-17. Review status: criteria provided, single submitter. Criteria: Invitae Variant Classification Sherloc (09022015). Collection method: clinical testing. Allele origin: germline.
Comment: This variant is a gross deletion of the genomic region encompassing exon(s) 7-17 of the FANCA gene. This deletion is out-of-frame, and is expected to create a premature termination codon and result in an absent or disrupted protein product. Loss-of-function variants in FANCA are known to be pathogenic (PMID: 19367192). A similar copy number variant has been observed in individual(s) with Fanconi anemia (PMID: 23898106). In at least one individual the data is consistent with the variant being in trans (on the opposite chromosome) from a pathogenic variant. It has also been observed to segregate with disease in related individuals. For these reasons, this variant has been classified as Pathogenic.

Literature cited by the submitters: PubMed 19367192; PubMed 23898106.

NC_000016.9:g.(?_89849257)_(89871810_?)del

Gene: FANCA (FA complementation group A; minus strand). Cytogenetic location: 16q24.3.
Variant type: Deletion.
Identifiers: ClinVar variation 1459611 (VCV001459611.3).